The following is an entry in ClinVar:

NM_138927.4(SON):c.6321+1G>A

Gene: SON (SON DNA and RNA binding protein; plus strand). Cytogenetic location: 21q22.11.
Variant type: single nucleotide variant.
Coding change: c.6321+1G>A on transcript NM_138927.4 (MANE Select); the canonical splice donor site of the intron after coding-DNA position 6321, G replaced by A.
Molecular consequence: splice donor variant.
Genome position (GRCh38, 1-based): chr21:33,557,317, G>A. VCF-style: chr21-33557317-G-A. GRCh37 (hg19) VCF-style: chr21-34929623-G-A.
Other names: c.405+1G>A (NM_001291412.3); c.6321+1G>A (NM_032195.3, NM_001291411.2).
Identifiers: ClinVar variation 973267 (VCV000973267.6), dbSNP rs2085987512, ClinGen allele CA410166670.

ClinVar aggregate classification (germline): Pathogenic. Review status: criteria provided, multiple submitters, no conflicts (2 of 4 stars). 2 submissions from 2 submitters: Pathogenic (2). Last evaluated 2024-07-08.

Conditions:
ZTTK syndrome (ZTTKS). Also called: ZTTK MULTIPLE CONGENITAL ANOMALIES-MENTAL RETARDATION SYNDROME; Zhu-Tokita-Takenouchi-Kim Syndrome. Identifiers: Orphanet 500150, MedGen C4310696, MONDO:0014936, OMIM 617140.

Submissions (2):

GeneDx
Classification: Pathogenic. Last evaluated: 2024-07-08. Review status: criteria provided, single submitter. Criteria: GeneDx Variant Classification Process June 2021. Collection method: clinical testing. Allele origin: germline. Affected: yes.
Comment: Canonical splice site variant predicted to result in a null allele in a gene for which loss of function is a known mechanism of disease; Not observed at significant frequency in large population cohorts (gnomAD); This variant is associated with the following publications: (PMID: 32371413, 37789688)

Institute for Genomic Medicine (IGM) Clinical Laboratory, Nationwide Children's Hospital
Classification: Pathogenic for ZTTK syndrome. Last evaluated: 2019-02-12. Review status: criteria provided, single submitter. Criteria: ACMG Guidelines, 2015. Collection method: clinical testing. Allele origin: germline. Affected: yes.
Comment: [ACMG/AMP: PVS1, PS2, PM2] This alteration is a null variant in a gene where LOF is a known mechanism of disease [PVS1], is de novo in origin as it was not detected in the submitted parental specimens (identity confirmed) [PS2], is absent from or rarely observed in large-scale population databases [PM2].